The following is an entry in ClinVar:

ClinVar aggregate classification (germline): Uncertain significance (1 of 4 stars; one submission).

Conditions:
Adenylosuccinate lyase deficiency (ADSLD). Also called: ADSL DEFICIENCY. Identifiers: Orphanet 46, MedGen C0268126, MONDO:0007068, OMIM 103050.

Allele frequency attached by ClinVar (database versions not stated): gnomAD 0.00002; gnomAD exomes 0.00002 and 0.00003; TOPMed 0.00002; ExAC 0.00003; ESP Exome Variant Server 0.00008.
gnomAD v4.1: 43 of 1,613,820 alleles (0.0027%); highest among the groups gnomAD compares: South Asian, 0.0044%; no homozygotes.

Submission:

Labcorp Genetics (formerly Invitae), Labcorp
Classification: Uncertain significance for Adenylosuccinate lyase deficiency. Last evaluated: 2024-09-10. Review status: criteria provided, single submitter. Criteria: Invitae Variant Classification Sherloc (09022015). Collection method: clinical testing. Allele origin: germline.
Comment: This sequence change replaces arginine, which is basic and polar, with cysteine, which is neutral and slightly polar, at codon 329 of the ADSL protein (p.Arg329Cys). This variant is present in population databases (rs370221257, gnomAD 0.01%). This variant has not been reported in the literature in individuals affected with ADSL-related conditions. ClinVar contains an entry for this variant (Variation ID: 1013837). Invitae Evidence Modeling of protein sequence and biophysical properties (such as structural, functional, and spatial information, amino acid conservation, physicochemical variation, residue mobility, and thermodynamic stability) indicates that this missense variant is expected to disrupt ADSL protein function with a positive predictive value of 80%. In summary, the available evidence is currently insufficient to determine the role of this variant in disease. Therefore, it has been classified as a Variant of Uncertain Significance.

NM_000026.4(ADSL):c.985C>T (p.Arg329Cys)

Gene: ADSL (adenylosuccinate lyase; plus strand). Cytogenetic location: 22q13.1.
Variant type: single nucleotide variant.
Coding change: c.985C>T on transcript NM_000026.4 (MANE Select); coding-DNA position 985, C replaced by T.
Protein change: p.Arg329Cys; replaces arginine 329 with cysteine.
Molecular consequence: missense variant. On other transcripts: non-coding transcript variant (1).
Genome position (GRCh38, 1-based): chr22:40,361,610, C>T. VCF-style: chr22-40361610-C-T. GRCh37 (hg19) VCF-style: chr22-40757614-C-T.
Other names: c.985C>T, p.Arg329Cys (NM_001123378.3, NM_001363840.3); c.793C>T, p.Arg265Cys (NM_001317923.2); short protein forms R265C, R329C.
Identifiers: ClinVar variation 1013837 (VCV001013837.8), dbSNP rs370221257, ClinGen allele CA10247871.